The following is an entry in ClinVar:

ClinVar aggregate classification (germline): Conflicting classifications of pathogenicity. Review status: criteria provided, conflicting classifications (1 of 4 stars). 3 submissions from 3 submitters: Uncertain significance (1); Likely benign (2). Last evaluated 2025-03-05.

Conditions:
Inborn genetic diseases. Identifiers: MedGen C0950123, MeSH D030342.
Neonatal-onset encephalopathy with rigidity and seizures. Also called: Lethal neonatal spasticity-epileptic encephalopathy syndrome. Identifiers: Orphanet 435845, MedGen C3281029, MONDO:0013784, OMIM 614498.

Allele frequency attached by ClinVar (database versions not stated): gnomAD exomes below 0.00001 and 0.00003; ExAC 0.00001; TOPMed 0.00001.
gnomAD v4.1: 48 of 1,609,476 alleles (0.003%); highest among the groups gnomAD compares: African/African-American, 0.004%; no homozygotes.

Submissions (3):

Ambry Genetics
Classification: Likely benign for Inborn genetic diseases. Last evaluated: 2025-03-05. Review status: criteria provided, single submitter. Criteria: Ambry Variant Classification Scheme 2023. Collection method: clinical testing. Allele origin: germline.

Blueprint Genetics
Classification: Likely benign. Last evaluated: 2024-09-05. Review status: criteria provided, single submitter. Criteria: ACMG Guidelines, 2015. Collection method: clinical testing. Allele origin: germline.

Labcorp Genetics (formerly Invitae), Labcorp
Classification: Uncertain significance for Neonatal-onset encephalopathy with rigidity and seizures. Last evaluated: 2022-07-12. Review status: criteria provided, single submitter. Criteria: Invitae Variant Classification Sherloc (09022015). Collection method: clinical testing. Allele origin: germline.
Comment: This sequence change replaces arginine, which is basic and polar, with glutamine, which is neutral and polar, at codon 785 of the BRAT1 protein (p.Arg785Gln). This variant is present in population databases (rs755802114, gnomAD 0.0009%). This variant has not been reported in the literature in individuals affected with BRAT1-related conditions. ClinVar contains an entry for this variant (Variation ID: 1013716). Algorithms developed to predict the effect of missense changes on protein structure and function output the following: SIFT: "Tolerated"; PolyPhen-2: "Benign"; Align-GVGD: "Class C0". The glutamine amino acid residue is found in multiple mammalian species, which suggests that this missense change does not adversely affect protein function. In summary, the available evidence is currently insufficient to determine the role of this variant in disease. Therefore, it has been classified as a Variant of Uncertain Significance.

NM_152743.4(BRAT1):c.2354G>A (p.Arg785Gln)

Gene: BRAT1 (BRCA1 associated ATM activator 1; minus strand). Cytogenetic location: 7p22.3.
Variant type: single nucleotide variant.
Coding change: c.2354G>A on transcript NM_152743.4 (MANE Select); coding-DNA position 2354, G replaced by A.
Protein change: p.Arg785Gln; replaces arginine 785 with glutamine.
Molecular consequence: missense variant. On other transcripts: non-coding transcript variant (1).
Genome position (GRCh38, 1-based): chr7:2,538,181, C>T on the plus strand (G>A on the coding strand, the complement: BRAT1 is on the minus strand). VCF-style: chr7-2538181-C-T. GRCh37 (hg19) VCF-style: chr7-2577815-C-T.
Other names: c.2534G>A, p.Arg845Gln (NM_001350626.2); c.1829G>A, p.Arg610Gln (NM_001350627.2); c.2354G>A (NM_152743.3); short protein forms R610Q, R785Q, R845Q.
Identifiers: ClinVar variation 1013716 (VCV001013716.8), dbSNP rs755802114, ClinGen allele CA4127381.